The following is an entry in ClinVar:

NM_016239.4(MYO15A):c.9423C>T (p.Ile3141=)

Genes: MYO15A (myosin XVA; plus strand), LOC130060418 (ATAC-STARR-seq lymphoblastoid active region 11828; plus strand). Cytogenetic location: 17p11.2.
Variant type: single nucleotide variant.
Coding change: c.9423C>T on transcript NM_016239.4 (MANE Select); coding-DNA position 9423, C replaced by T.
Protein change: p.Ile3141=; no amino-acid change (isoleucine 3141 retained).
Molecular consequence: synonymous variant.
Genome position (GRCh38, 1-based): chr17:18,161,353, C>T. VCF-style: chr17-18161353-C-T. GRCh37 (hg19) VCF-style: chr17-18064667-C-T.
Identifiers: ClinVar variation 717666 (VCV000717666.34), dbSNP rs376802769, ClinGen allele CA8425554.
Genomic context (GRCh38, chr17:18,161,353, plus strand): 5'-TGTAGCCCCCATGTGTCCTTGCAGGGACAGCTGCCAGCGAGGCTGGAGGCTGCTGTATAT[C>T]GTGACCGCCTACCACAGCTGCTCTGAGGTCCTCCACCCACACCTCACTCGCTTCCTCCAA-3'
Protein context (NP_057323.3, residues 3131-3151): SCQRGWRLLY[Ile3141=]VTAYHSCSEV

ClinVar aggregate classification (germline): Likely benign. Review status: criteria provided, multiple submitters, no conflicts (2 of 4 stars). 4 submissions from 4 submitters: Likely benign (4). Last evaluated 2025-09-01.

Allele frequency attached by ClinVar (database versions not stated): TOPMed 0.00001; gnomAD 0.00002 and 0.00003; gnomAD exomes 0.00006; ExAC 0.00007; ESP Exome Variant Server 0.00016.

Submissions (4):

CeGaT Center for Human Genetics Tuebingen
Classification: Likely benign. Last evaluated: 2025-09-01. Review status: criteria provided, single submitter. Criteria: CeGaT Center For Human Genetics Tuebingen Variant Classification Criteria Version 2. Collection method: clinical testing. Allele origin: germline. Affected: yes. Observed: 2 variant alleles.
Comment: MYO15A: BP4, BP7

Labcorp Genetics (formerly Invitae), Labcorp
Classification: Likely benign. Last evaluated: 2024-12-31. Review status: criteria provided, single submitter. Criteria: Invitae Variant Classification Sherloc (09022015). Collection method: clinical testing. Allele origin: germline.

Blueprint Genetics
Classification: Likely benign. Last evaluated: 2024-03-01. Review status: criteria provided, single submitter. Criteria: ACMG Guidelines, 2015. Collection method: clinical testing. Allele origin: germline.

GeneDx
Classification: Likely benign. Last evaluated: 2018-09-07. Review status: criteria provided, single submitter. Criteria: GeneDx Variant Classification Process June 2021. Collection method: clinical testing. Allele origin: germline. Affected: yes.
Comment: See Variant Classification Assertion Criteria.